The following is an entry in ClinVar:

ClinVar aggregate classification (germline): Benign. Review status: criteria provided, single submitter (1 of 4 stars). 2 submissions from 2 submitters: Benign (1). 1 of the submissions does not count toward it. Last evaluated 2018-03-05.

Conditions:
ZC3H4-related disorder. Also called: ZC3H4-related condition.

Allele frequency attached by ClinVar (database versions not stated): 1000 Genomes Project 0.00040; 1000 Genomes Project 30x 0.00094; TOPMed 0.00154; ESP Exome Variant Server 0.00162; ExAC 0.00186.
gnomAD v4.1: 3,867 of 1,610,494 alleles (0.24%); highest among the groups gnomAD compares: Non-Finnish European, 0.28%; 8 homozygotes.

Submissions (2):

Labcorp Genetics (formerly Invitae), Labcorp
Classification: Benign. Last evaluated: 2018-03-05. Review status: criteria provided, single submitter. Criteria: Invitae Variant Classification Sherloc (09022015). Collection method: clinical testing. Allele origin: germline.

PreventionGenetics, part of Exact Sciences
Classification: Benign for ZC3H4-related condition. Last evaluated: 2020-01-28. Review status: no assertion criteria provided. Collection method: clinical testing. Allele origin: germline. Not counted in ClinVar's aggregate classification.
Comment: This variant is classified as benign based on ACMG/AMP sequence variant interpretation guidelines (Richards et al. 2015 PMID: 25741868, with internal and published modifications).

NM_015168.2(ZC3H4):c.3066C>T (p.Asn1022=)

Gene: ZC3H4 (zinc finger CCCH-type containing 4; minus strand). Cytogenetic location: 19q13.32.
Variant type: single nucleotide variant.
Coding change: c.3066C>T on transcript NM_015168.2 (MANE Select); coding-DNA position 3066, C replaced by T.
Protein change: p.Asn1022=; no amino-acid change (asparagine 1022 retained).
Molecular consequence: synonymous variant.
Genome position (GRCh38, 1-based): chr19:47,067,202, G>A on the plus strand (C>T on the coding strand, the complement: ZC3H4 is on the minus strand). VCF-style: chr19-47067202-G-A. GRCh37 (hg19) VCF-style: chr19-47570459-G-A.
Identifiers: ClinVar variation 718258 (VCV000718258.5), dbSNP rs201967618, ClinGen allele CA9534716.
Genomic context (GRCh38, chr19:47,067,202, plus strand): 5'-GTCGGGGAGGTTGGCGCCCTGTGTGCTGGAATCCGTGGAGGCGCCCGGGCGCTGCCGGGC[G>A]TTGGGGGGCCCTGCCGTGGCAGCGCGGTGCAGCCGGGGGTCCAGGGTGGGCATGGATTGC-3'
Protein context (NP_055983.1, residues 1012-1032): LHRAATAGPP[Asn1022=]ARQRPGASTD